The following is an entry in ClinVar:

NM_001457.4(FLNB):c.3265G>A (p.Asp1089Asn)

Gene: FLNB (filamin B; plus strand). Cytogenetic location: 3p14.3.
Variant type: single nucleotide variant.
Coding change: c.3265G>A on transcript NM_001457.4 (MANE Select); coding-DNA position 3265, G replaced by A.
Protein change: p.Asp1089Asn; replaces aspartic acid 1089 with asparagine.
Molecular consequence: missense variant.
Genome position (GRCh38, 1-based): chr3:58,123,231, G>A. VCF-style: chr3-58123231-G-A. GRCh37 (hg19) VCF-style: chr3-58108958-G-A.
Other names: c.3265G>A, p.Asp1089Asn (NM_001164317.2, NM_001164318.2, NM_001164319.2); short protein forms D1089N.
Identifiers: ClinVar variation 1306595 (VCV001306595.6), dbSNP rs369045614, ClinGen allele CA2468373.

ClinVar aggregate classification (germline): Conflicting classifications of pathogenicity. Review status: criteria provided, conflicting classifications (1 of 4 stars). 2 submissions from 2 submitters: Uncertain significance (1); Benign (1). Last evaluated 2025-08-01.

Allele frequency attached by ClinVar (database versions not stated): gnomAD 0.00003 and 0.00007; TOPMed 0.00003; gnomAD exomes 0.00006 and 0.00011; ESP Exome Variant Server 0.00008; ExAC 0.00014.
gnomAD v4.1: 96 of 1,614,146 alleles (0.0059%); highest among the groups gnomAD compares: East Asian, 0.067%; no homozygotes.

Submissions (2):

Labcorp Genetics (formerly Invitae), Labcorp
Classification: Benign. Last evaluated: 2025-08-01. Review status: criteria provided, single submitter. Criteria: Invitae Variant Classification Sherloc (09022015). Collection method: clinical testing. Allele origin: germline.

GeneDx
Classification: Uncertain significance. Last evaluated: 2019-06-14. Review status: criteria provided, single submitter. Criteria: GeneDx Variant Classification Process June 2021. Collection method: clinical testing. Allele origin: germline. Affected: yes.
Comment: In silico analysis, which includes protein predictors and evolutionary conservation, supports a deleterious effect; Has not been previously published as pathogenic or benign to our knowledge